The following is an entry in ClinVar:

ClinVar aggregate classification (germline): Benign/Likely benign. Review status: criteria provided, multiple submitters, no conflicts (2 of 4 stars). 4 submissions from 4 submitters: Benign (1); Likely benign (3). Last evaluated 2025-06-08.

Conditions:
Hereditary cancer-predisposing syndrome. Also called: Hereditary Cancer Syndrome; Hereditary neoplastic syndrome; Neoplastic Syndromes, Hereditary; Tumor predisposition. Identifiers: Orphanet 140162, MedGen C0027672, MeSH D009386, MONDO:0015356.
Familial adenomatous polyposis 1 (FAP1). Also called: FAMILIAL ADENOMATOUS POLYPOSIS 1, ATTENUATED; POLYPOSIS, ADENOMATOUS INTESTINAL. Identifiers: MedGen C2713442, MONDO:0021056, OMIM 175100. Disease mechanism: loss of function.

Allele frequency attached by ClinVar (database versions not stated): gnomAD exomes below 0.00001; ExAC 0.00001.
gnomAD v4.1: 2 of 1,613,054 alleles (0.00012%); highest among the groups gnomAD compares: South Asian, 0.0022%; no homozygotes.

Submissions (4):

Labcorp Genetics (formerly Invitae), Labcorp
Classification: Likely benign for Familial adenomatous polyposis 1. Last evaluated: 2025-06-08. Review status: criteria provided, single submitter. Criteria: Invitae Variant Classification Sherloc (09022015). Collection method: clinical testing. Allele origin: germline.

Color Diagnostics, LLC DBA Color Health
Classification: Likely benign for Hereditary cancer-predisposing syndrome. Last evaluated: 2025-06-03. Review status: criteria provided, single submitter. Criteria: ACMG Guidelines, 2015. Collection method: clinical testing. Allele origin: germline.

Myriad Genetics, Inc.
Classification: Benign for Familial adenomatous polyposis 1. Last evaluated: 2024-04-02. Review status: criteria provided, single submitter. Criteria: Myriad Autosomal Dominant, Autosomal Recessive and X-Linked Classification Criteria (2023). Collection method: clinical testing. Allele origin: unknown.
Comment: This variant is considered benign. This variant is a silent/synonymous amino acid change and it is not expected to impact splicing.

Ambry Genetics
Classification: Likely benign for Hereditary cancer-predisposing syndrome. Last evaluated: 2019-12-29. Review status: criteria provided, single submitter. Criteria: Ambry Variant Classification Scheme 2023. Collection method: clinical testing. Allele origin: germline.

NM_000038.6(APC):c.5511T>C (p.Ser1837=)

Gene: APC (APC regulator of Wnt signaling pathway; plus strand). Cytogenetic location: 5q22.2.
Variant type: single nucleotide variant.
Coding change: c.5511T>C on transcript NM_000038.6 (MANE Select); coding-DNA position 5511, T replaced by C.
Protein change: p.Ser1837=; no amino-acid change (serine 1837 retained).
Molecular consequence: synonymous variant.
Genome position (GRCh38, 1-based): chr5:112,841,105, T>C. VCF-style: chr5-112841105-T-C. GRCh37 (hg19) VCF-style: chr5-112176802-T-C.
Other names: c.5334T>C, p.Ser1778= (NM_001354901.2); c.5238T>C, p.Ser1746= (NM_001354902.2); c.5511T>C, p.Ser1837= (NM_001127510.3, NM_001354895.2); c.5208T>C, p.Ser1736= (NM_001354903.2); c.5133T>C, p.Ser1711= (NM_001354904.2); c.5457T>C, p.Ser1819= (NM_001127511.3); c.5565T>C, p.Ser1855= (NM_001354896.2); c.5541T>C, p.Ser1847= (NM_001354897.2); and 5 more.
Identifiers: ClinVar variation 1567374 (VCV001567374.11), dbSNP rs754225941, ClinGen allele CA042200.